The following is an entry in ClinVar:

ClinVar aggregate classification (germline): Uncertain significance (1 of 4 stars; one submission).

Conditions:
Immunodeficiency 35 (IMD35). Also called: TYK2 DEFICIENCY; HIES WITH ATYPICAL MYCOBACTERIOSIS, AUTOSOMAL RECESSIVE; HYPER-IgE SYNDROME WITH ATYPICAL MYCOBACTERIOSIS, AUTOSOMAL RECESSIVE; Susceptibility to infection due to TYK2 deficiency. Identifiers: Orphanet 331226, MedGen C1969086, MONDO:0012682, OMIM 611521.

Allele frequency attached by ClinVar (database versions not stated): TOPMed below 0.00001.
gnomAD v4.1: 1 of 1,555,666 alleles (0.000064%); highest among the groups gnomAD compares: Admixed American, 0.0018%; no homozygotes.

Submission:

Labcorp Genetics (formerly Invitae), Labcorp
Classification: Uncertain significance for Immunodeficiency 35. Last evaluated: 2022-07-25. Review status: criteria provided, single submitter. Criteria: Invitae Variant Classification Sherloc (09022015). Collection method: clinical testing. Allele origin: germline.
Comment: This sequence change replaces cysteine, which is neutral and slightly polar, with phenylalanine, which is neutral and non-polar, at codon 1072 of the TYK2 protein (p.Cys1072Phe). The frequency data for this variant in the population databases is considered unreliable, as metrics indicate poor data quality at this position in the gnomAD database. This variant has not been reported in the literature in individuals affected with TYK2-related conditions. Algorithms developed to predict the effect of missense changes on protein structure and function are either unavailable or do not agree on the potential impact of this missense change (SIFT: "Not Available"; PolyPhen-2: "Probably Damaging"; Align-GVGD: "Not Available"). In summary, the available evidence is currently insufficient to determine the role of this variant in disease. Therefore, it has been classified as a Variant of Uncertain Significance.

NM_003331.5(TYK2):c.3215G>T (p.Cys1072Phe)

Gene: TYK2 (tyrosine kinase 2; minus strand). Cytogenetic location: 19p13.2.
Variant type: single nucleotide variant.
Coding change: c.3215G>T on transcript NM_003331.5 (MANE Select); coding-DNA position 3215, G replaced by T.
Protein change: p.Cys1072Phe; replaces cysteine 1072 with phenylalanine.
Molecular consequence: missense variant. On other transcripts: intron variant (1).
Genome position (GRCh38, 1-based): chr19:10,352,537, C>A on the plus strand (G>T on the coding strand, the complement: TYK2 is on the minus strand). VCF-style: chr19-10352537-C-A. GRCh37 (hg19) VCF-style: chr19-10463213-C-A.
Other names: c.3215G>T, p.Cys1072Phe (NM_001385197.1, NM_001406461.1); c.3029G>T, p.Cys1010Phe (NM_001385199.1); c.3212G>T, p.Cys1071Phe (NM_001385200.1); c.3017G>T, p.Cys1006Phe (NM_001385201.1); c.3131G>T, p.Cys1044Phe (NM_001385202.1); c.3296G>T, p.Cys1099Phe (NM_001385203.1); c.3425G>T, p.Cys1142Phe (NM_001385204.1); c.3125G>T, p.Cys1042Phe (NM_001385205.1); and 3 more; short protein forms C1010F, C1030F, C1042F, C1066F, C1071F, C1142F, C1006F, C1044F.
Identifiers: ClinVar variation 1971135 (VCV001971135.2), dbSNP rs1488791465, ClinGen allele CA403983326.
Genomic context (GRCh38, chr19:10,352,537, plus strand): 5'-TACAGGGTCACCCCGAAGGACCAGACATCTGACGCATAGTAGAACTTATACTCCTTCAGG[C>A]ACTCTGGGGCATACCTAGGGGGAGGGGGGCACTCAGGCCACGGGGGGCTGCACTGAGGGC-3'
Protein context (NP_003322.3, residues 1062-1082): DSPVFWYAPE[Cys1072Phe]LKEYKFYYAS